The following is an entry in ClinVar:

NM_001903.5(CTNNA1):c.1292T>C (p.Ile431Thr)

Gene: CTNNA1 (catenin alpha 1; plus strand). Cytogenetic location: 5q31.2.
Variant type: single nucleotide variant.
Coding change: c.1292T>C on transcript NM_001903.5 (MANE Select); coding-DNA position 1292, T replaced by C.
Protein change: p.Ile431Thr; replaces isoleucine 431 with threonine.
Molecular consequence: missense variant. On other transcripts: 5 prime UTR variant (5), intron variant (2).
Genome position (GRCh38, 1-based): chr5:138,887,638, T>C. VCF-style: chr5-138887638-T-C. GRCh37 (hg19) VCF-style: chr5-138223327-T-C.
Other names: c.1292T>C, p.Ile431Thr (NM_001290307.3, NM_001323982.2, NM_001323983.1 and 3 more transcripts); c.983T>C, p.Ile328Thr (NM_001290309.3); c.923T>C, p.Ile308Thr (NM_001290310.3); c.182T>C, p.Ile61Thr (NM_001290312.1, NM_001323987.1, NM_001323988.1 and 18 more transcripts); c.-216T>C (NM_001324006.1, NM_001324007.1, NM_001324008.1 and 1 more transcripts); c.-91T>C (NM_001324013.1); c.-58+12041T>C (NM_001324012.1); c.-61+12041T>C (NM_001324010.1); short protein forms I308T, I431T, I61T, I328T.
Identifiers: ClinVar variation 1432447 (VCV001432447.8), dbSNP rs1167873878, ClinGen allele CA361133268.

ClinVar aggregate classification (germline): Uncertain significance. Review status: criteria provided, multiple submitters, no conflicts (2 of 4 stars). 2 submissions from 2 submitters: Uncertain significance (2). Last evaluated 2025-10-26.

Conditions:
Hereditary cancer-predisposing syndrome. Also called: Hereditary Cancer Syndrome; Hereditary neoplastic syndrome; Neoplastic Syndromes, Hereditary; Tumor predisposition. Identifiers: Orphanet 140162, MedGen C0027672, MeSH D009386, MONDO:0015356.

Allele frequency attached by ClinVar (database versions not stated): gnomAD exomes below 0.00001; gnomAD 0.00001.
gnomAD v4.1: 2 of 1,608,436 alleles (0.00012%); highest among the groups gnomAD compares: Non-Finnish European, 0.00017%; no homozygotes.

Submissions (2):

Labcorp Genetics (formerly Invitae), Labcorp
Classification: Uncertain significance. Last evaluated: 2025-10-26. Review status: criteria provided, single submitter. Criteria: Invitae Variant Classification Sherloc (09022015). Collection method: clinical testing. Allele origin: germline.
Comment: This sequence change replaces isoleucine, which is neutral and non-polar, with threonine, which is neutral and polar, at codon 431 of the CTNNA1 protein (p.Ile431Thr). The frequency data for this variant in the population databases is considered unreliable, as metrics indicate poor data quality at this position in the gnomAD database. This variant has not been reported in the literature in individuals affected with CTNNA1-related conditions. ClinVar contains an entry for this variant (Variation ID: 1432447). Invitae Evidence Modeling of protein sequence and biophysical properties (such as structural, functional, and spatial information, amino acid conservation, physicochemical variation, residue mobility, and thermodynamic stability) indicates that this missense variant is not expected to disrupt CTNNA1 protein function with a negative predictive value of 80%. In summary, the available evidence is currently insufficient to determine the role of this variant in disease. Therefore, it has been classified as a Variant of Uncertain Significance.

Ambry Genetics
Classification: Uncertain significance for Hereditary cancer-predisposing syndrome. Last evaluated: 2022-05-06. Review status: criteria provided, single submitter. Criteria: Ambry Variant Classification Scheme 2023. Collection method: clinical testing. Allele origin: germline.
Comment: The p.I431T variant (also known as c.1292T>C), located in coding exon 8 of the CTNNA1 gene, results from a T to C substitution at nucleotide position 1292. The isoleucine at codon 431 is replaced by threonine, an amino acid with similar properties. This amino acid position is conserved. In addition, the in silico prediction for this alteration is inconclusive. Since supporting evidence is limited at this time, the clinical significance of this alteration remains unclear.